The following is an entry in ClinVar:

NM_001142800.2(EYS):c.1082T>C (p.Ile361Thr)

Gene: EYS (EGF-like photoreceptor maintenance factor; minus strand). Cytogenetic location: 6q12.
Variant type: single nucleotide variant.
Coding change: c.1082T>C on transcript NM_001142800.2 (MANE Select); coding-DNA position 1082, T replaced by C.
Protein change: p.Ile361Thr; replaces isoleucine 361 with threonine.
Molecular consequence: missense variant.
Genome position (GRCh38, 1-based): chr6:65,402,580, A>G on the plus strand (T>C on the coding strand, the complement: EYS is on the minus strand). VCF-style: chr6-65402580-A-G. GRCh37 (hg19) VCF-style: chr6-66112473-A-G.
Other names: c.1082T>C, p.Ile361Thr (NM_001142801.2, NM_001292009.2, NM_198283.2); short protein forms I361T.
Identifiers: ClinVar variation 499752 (VCV000499752.11), dbSNP rs201059400, ClinGen allele CA3877870.

ClinVar aggregate classification (germline): Uncertain significance. Review status: criteria provided, multiple submitters, no conflicts (2 of 4 stars). 6 submissions from 6 submitters: Uncertain significance (4). 2 of the submissions do not count toward it. Last evaluated 2024-12-02.

Conditions:
Retinitis pigmentosa 25 (RP25). Identifiers: Orphanet 791, MedGen C1864446, MONDO:0011272, OMIM 602772.
Inborn genetic diseases. Identifiers: MedGen C0950123, MeSH D030342.

Allele frequency attached by ClinVar (database versions not stated): gnomAD exomes 0.00002 and 0.00008; ExAC 0.00012; gnomAD 0.00028 and 0.00030; TOPMed 0.00030; ESP Exome Variant Server 0.00039; 1000 Genomes Project 0.00060; 1000 Genomes Project 30x 0.00062.
gnomAD v4.1: 77 of 1,576,326 alleles (0.0049%); highest among the groups gnomAD compares: African/African-American, 0.097%; no homozygotes.

Submissions (6):

Labcorp Genetics (formerly Invitae), Labcorp
Classification: Uncertain significance. Last evaluated: 2024-12-02. Review status: criteria provided, single submitter. Criteria: Invitae Variant Classification Sherloc (09022015). Collection method: clinical testing. Allele origin: germline.
Comment: This sequence change replaces isoleucine, which is neutral and non-polar, with threonine, which is neutral and polar, at codon 361 of the EYS protein (p.Ile361Thr). This variant is present in population databases (rs201059400, gnomAD 0.1%). This variant has not been reported in the literature in individuals affected with EYS-related conditions. ClinVar contains an entry for this variant (Variation ID: 499752). Invitae Evidence Modeling of protein sequence and biophysical properties (such as structural, functional, and spatial information, amino acid conservation, physicochemical variation, residue mobility, and thermodynamic stability) indicates that this missense variant is not expected to disrupt EYS protein function with a negative predictive value of 80%. In summary, the available evidence is currently insufficient to determine the role of this variant in disease. Therefore, it has been classified as a Variant of Uncertain Significance.

Ambry Genetics
Classification: Uncertain significance for Inborn genetic diseases. Last evaluated: 2024-10-25. Review status: criteria provided, single submitter. Criteria: Ambry Variant Classification Scheme 2023. Collection method: clinical testing. Allele origin: germline.

Blueprint Genetics
Classification: Uncertain significance. Last evaluated: 2023-09-27. Review status: criteria provided, single submitter. Criteria: ACMG Guidelines, 2015. Collection method: clinical testing. Allele origin: germline.

Eurofins Ntd Llc (ga)
Classification: Uncertain significance. Last evaluated: 2017-01-26. Review status: criteria provided, single submitter. Criteria: EGL Classification Definitions 2015. Collection method: clinical testing. Allele origin: germline. Observed: 1 variant allele, 1 heterozygote.

Natera, Inc.
Classification: Uncertain significance for Retinitis pigmentosa type 25. Last evaluated: 2020-07-27. Review status: no assertion criteria provided. Collection method: clinical testing. Allele origin: germline. Not counted in ClinVar's aggregate classification.

Department of Pathology and Laboratory Medicine, Sinai Health System
Classification: Uncertain significance. Review status: no assertion criteria provided. Collection method: clinical testing. Allele origin: unknown. Affected: yes. Study: The Canadian Open Genetics Repository (COGR). Not counted in ClinVar's aggregate classification.
Comment: The EYS p.Ile361Thr variant was not identified in the literature nor was it identified in LOVD 3.0. The variant was identified in dbSNP (ID: rs201059400) and ClinVar (classified as uncertain significance by EGL Genetic Diagnostics). The variant was identified in control databases in 28 of 281334 chromosomes at a frequency of 0.00009953 (Genome Aggregation Database March 6, 2019, v2.1.1). The variant was observed in the following populations: African in 27 of 24890 chromosomes (freq: 0.001085) and European (non-Finnish) in 1 of 128304 chromosomes (freq: 0.000008), but was not observed in the Latino, Ashkenazi Jewish, East Asian, European (Finnish), Other, or South Asian populations. The p.Ile361Thr residue is not conserved in mammals and four out of five computational analyses (PolyPhen-2, SIFT, AlignGVGD, BLOSUM, MutationTaster) do not suggest a high likelihood of impact to the protein; however, this information is not predictive enough to rule out pathogenicity. The variant occurs outside of the splicing consensus sequence and in silico or computational prediction software programs (SpliceSiteFinder, MaxEntScan, NNSPLICE, GeneSplicer) do not predict a difference in splicing. In summary, based on the above information the clinical significance of this variant cannot be determined with certainty at this time. This variant is classified as a variant of uncertain significance.